The following is an entry in ClinVar:

NM_006922.4(SCN3A):c.3152A>G (p.Asn1051Ser)

Gene: SCN3A (sodium voltage-gated channel alpha subunit 3; minus strand). Cytogenetic location: 2q24.3.
Variant type: single nucleotide variant.
Coding change: c.3152A>G on transcript NM_006922.4 (MANE Select); coding-DNA position 3152, A replaced by G.
Protein change: p.Asn1051Ser; replaces asparagine 1051 with serine.
Molecular consequence: missense variant.
Genome position (GRCh38, 1-based): chr2:165,127,872, T>C on the plus strand (A>G on the coding strand, the complement: SCN3A is on the minus strand). VCF-style: chr2-165127872-T-C. GRCh37 (hg19) VCF-style: chr2-165984382-T-C.
Other names: c.3005A>G, p.Asn1002Ser (NM_001081676.2, NM_001081677.2); short protein forms N1002S, N1051S.
Identifiers: ClinVar variation 2823921 (VCV002823921.3), dbSNP rs948166221, ClinGen allele CA59732285.

ClinVar aggregate classification (germline): Uncertain significance (1 of 4 stars; one submission).

Allele frequency attached by ClinVar (database versions not stated): TOPMed below 0.00001; gnomAD exomes 0.00001.
gnomAD v4.1: 4 of 1,614,198 alleles (0.00025%); highest among the groups gnomAD compares: East Asian, 0.0067%; no homozygotes.

Submission:

Labcorp Genetics (formerly Invitae), Labcorp
Classification: Uncertain significance. Last evaluated: 2022-12-24. Review status: criteria provided, single submitter. Criteria: Invitae Variant Classification Sherloc (09022015). Collection method: clinical testing. Allele origin: germline.
Comment: This sequence change replaces asparagine, which is neutral and polar, with serine, which is neutral and polar, at codon 1051 of the SCN3A protein (p.Asn1051Ser). In summary, the available evidence is currently insufficient to determine the role of this variant in disease. Therefore, it has been classified as a Variant of Uncertain Significance. Advanced modeling of protein sequence and biophysical properties (such as structural, functional, and spatial information, amino acid conservation, physicochemical variation, residue mobility, and thermodynamic stability) performed at Invitae indicates that this missense variant is not expected to disrupt SCN3A protein function. This variant has not been reported in the literature in individuals affected with SCN3A-related conditions. This variant is present in population databases (no rsID available, gnomAD 0.006%).